The following is an entry in ClinVar:

ClinVar aggregate classification (germline): Uncertain significance (1 of 4 stars; one submission).

gnomAD v4.1: 4 of 1,613,772 alleles (0.00025%); highest among the groups gnomAD compares: Non-Finnish European, 0.00034%; no homozygotes.

Submission:

Ambry Genetics
Classification: Uncertain significance. Last evaluated: 2025-12-12. Review status: criteria provided, single submitter. Criteria: Ambry Variant Classification Scheme 2023. Collection method: clinical testing. Allele origin: germline.
Comment: The p.H835R variant (also known as c.2504A>G), located in coding exon 6 of the CDK12 gene, results from an A to G substitution at nucleotide position 2504. The histidine at codon 835 is replaced by arginine, an amino acid with highly similar properties. This amino acid position is conserved. In addition, this alteration is predicted to be deleterious by in silico analysis. Based on the available evidence, the clinical significance of this variant remains unclear.

NM_016507.4(CDK12):c.2504A>G (p.His835Arg)

Gene: CDK12 (cyclin dependent kinase 12; plus strand). Cytogenetic location: 17q12.
Variant type: single nucleotide variant.
Coding change: c.2504A>G on transcript NM_016507.4 (MANE Select); coding-DNA position 2504, A replaced by G.
Protein change: p.His835Arg; replaces histidine 835 with arginine.
Molecular consequence: missense variant.
Genome position (GRCh38, 1-based): chr17:39,501,334, A>G. VCF-style: chr17-39501334-A-G. GRCh37 (hg19) VCF-style: chr17-37657587-A-G.
Other names: c.2504A>G, p.His835Arg (NM_015083.4); short protein forms H835R.
Identifiers: ClinVar variation 4651492 (VCV004651492.1).